The following is an entry in ClinVar:

NM_004415.4(DSP):c.1920C>G (p.Ile640Met)

Gene: DSP (desmoplakin; plus strand). Cytogenetic location: 6p24.3.
Variant type: single nucleotide variant.
Coding change: c.1920C>G on transcript NM_004415.4 (MANE Select); coding-DNA position 1920, C replaced by G.
Protein change: p.Ile640Met; replaces isoleucine 640 with methionine.
Molecular consequence: missense variant.
Genome position (GRCh38, 1-based): chr6:7,571,858, C>G. VCF-style: chr6-7571858-C-G. GRCh37 (hg19) VCF-style: chr6-7572091-C-G.
Other names: c.1920C>G, p.Ile640Met (NM_001008844.3, NM_001319034.2); short protein forms I640M.
Identifiers: ClinVar variation 920450 (VCV000920450.6), dbSNP rs74806300, ClinGen allele CA362680025.

ClinVar aggregate classification (germline): Uncertain significance. Review status: criteria provided, multiple submitters, no conflicts (2 of 4 stars). 2 submissions from 2 submitters: Uncertain significance (2). Last evaluated 2024-08-28.

Conditions:
Cardiomyopathy (CMYO). Also called: Cardiomyopathies. Identifiers: Orphanet 167848, MedGen C0878544, MONDO:0004994, HP:0001638. Inheritance: Various modes of inheritance.
Cardiovascular phenotype. Identifiers: MedGen CN230736.

Submissions (2):

Ambry Genetics
Classification: Uncertain significance for Cardiovascular phenotype. Last evaluated: 2024-08-28. Review status: criteria provided, single submitter. Criteria: Ambry Variant Classification Scheme 2023. Collection method: clinical testing. Allele origin: germline.
Comment: The p.I640M variant (also known as c.1920C>G), located in coding exon 15 of the DSP gene, results from a C to G substitution at nucleotide position 1920. The isoleucine at codon 640 is replaced by methionine, an amino acid with highly similar properties. This amino acid position is conserved. In addition, this alteration is predicted to be tolerated by in silico analysis. Based on the available evidence, the clinical significance of this variant remains unclear.

Color Diagnostics, LLC DBA Color Health
Classification: Uncertain significance for Cardiomyopathy. Last evaluated: 2024-03-06. Review status: criteria provided, single submitter. Criteria: ACMG Guidelines, 2015. Collection method: clinical testing. Allele origin: germline.
Comment: This missense variant replaces isoleucine with methionine at codon 640 of the DSP protein. Computational prediction suggests that this variant may not impact protein structure and function (internally defined REVEL score threshold <= 0.5, PMID: 27666373). To our knowledge, functional studies have not been reported for this variant. This variant has not been reported in individuals affected with cardiovascular disorders in the literature. This variant has not been identified in the general population by the Genome Aggregation Database (gnomAD). The available evidence is insufficient to determine the role of this variant in disease conclusively. Therefore, this variant is classified as a Variant of Uncertain Significance.